The following is an entry in ClinVar:

ClinVar aggregate classification (germline): Likely benign (0 of 4 stars; one submission).

Conditions:
LRP1-related disorder. Also called: LRP1-related condition.

Allele frequency attached by ClinVar (database versions not stated): TOPMed 0.00001; gnomAD 0.00002; ExAC 0.00003; gnomAD exomes 0.00003.
gnomAD v4.1: 45 of 1,613,834 alleles (0.0028%); highest among the groups gnomAD compares: South Asian, 0.0099%; no homozygotes.

Submission:

PreventionGenetics, part of Exact Sciences
Classification: Likely benign for LRP1-related condition. Last evaluated: 2019-03-04. Review status: no assertion criteria provided. Collection method: clinical testing. Allele origin: germline.
Comment: This variant is classified as likely benign based on ACMG/AMP sequence variant interpretation guidelines (Richards et al. 2015 PMID: 25741868, with internal and published modifications).

NM_002332.3(LRP1):c.13434C>T (p.Gly4478=)

Gene: LRP1 (LDL receptor related protein 1; plus strand). Cytogenetic location: 12q13.3.
Variant type: single nucleotide variant.
Coding change: c.13434C>T on transcript NM_002332.3 (MANE Select); coding-DNA position 13434, C replaced by T.
Protein change: p.Gly4478=; no amino-acid change (glycine 4478 retained).
Molecular consequence: synonymous variant.
Genome position (GRCh38, 1-based): chr12:57,212,201, C>T. VCF-style: chr12-57212201-C-T. GRCh37 (hg19) VCF-style: chr12-57605984-C-T.
Identifiers: ClinVar variation 3057945 (VCV003057945.2), dbSNP rs769789309, ClinGen allele CA6645908.